The following is an entry in ClinVar:

ClinVar aggregate classification (germline): Benign. Review status: criteria provided, single submitter (1 of 4 stars). 2 submissions from 2 submitters: Benign (1). 1 of the submissions does not count toward it. Last evaluated 2026-01-21.

Conditions:
CHMP1A-related disorder. Also called: CHMP1A-related condition.

Allele frequency attached by ClinVar (database versions not stated): TOPMed 0.00002; gnomAD 0.00015 and 0.00001; gnomAD exomes 0.00017 and 0.00043; ExAC 0.00057; 1000 Genomes Project 30x 0.00125; 1000 Genomes Project 0.00140.
gnomAD v4.1: 286 of 1,613,700 alleles (0.018%); highest among the groups gnomAD compares: South Asian, 0.29%; 1 homozygote.

Submissions (2):

Labcorp Genetics (formerly Invitae), Labcorp
Classification: Benign. Last evaluated: 2026-01-21. Review status: criteria provided, single submitter. Criteria: Invitae Variant Classification Sherloc (09022015). Collection method: clinical testing. Allele origin: germline.

PreventionGenetics, part of Exact Sciences
Classification: Likely benign for CHMP1A-related condition. Last evaluated: 2024-09-16. Review status: no assertion criteria provided. Collection method: clinical testing. Allele origin: germline. Not counted in ClinVar's aggregate classification.
Comment: This variant is classified as likely benign based on ACMG/AMP sequence variant interpretation guidelines (Richards et al. 2015 PMID: 25741868, with internal and published modifications).

NM_002768.5(CHMP1A):c.213A>G (p.Ala71=)

Gene: CHMP1A (charged multivesicular body protein 1A; minus strand). Cytogenetic location: 16q24.3.
Variant type: single nucleotide variant.
Coding change: c.213A>G on transcript NM_002768.5 (MANE Select); coding-DNA position 213, A replaced by G.
Protein change: p.Ala71=; no amino-acid change (alanine 71 retained).
Molecular consequence: synonymous variant. On other transcripts: missense variant (1), non-coding transcript variant (1).
Genome position (GRCh38, 1-based): chr16:89,649,390, T>C on the plus strand (A>G on the coding strand, the complement: CHMP1A is on the minus strand). VCF-style: chr16-89649390-T-C. GRCh37 (hg19) VCF-style: chr16-89715798-T-C.
Other names: c.193A>G, p.Ser65Gly (NM_001083314.4); c.193A>G (NM_001083314.3); short protein forms S65G.
Identifiers: ClinVar variation 718131 (VCV000718131.10), dbSNP rs546864527, ClinGen allele CA8247110.